The following is an entry in ClinVar:

ClinVar aggregate classification (germline): Uncertain significance. Review status: criteria provided, multiple submitters, no conflicts (2 of 4 stars). 4 submissions from 4 submitters: Uncertain significance (4). Last evaluated 2025-05-14.

Conditions:
Inborn genetic diseases. Identifiers: MedGen C0950123, MeSH D030342.
Combined immunodeficiency due to LRBA deficiency. Also called: Common variable immunodeficiency 8, with autoimmunity. Identifiers: Orphanet 445018, MedGen C3553512, MONDO:0013863, OMIM 614700.

Allele frequency attached by ClinVar (database versions not stated): gnomAD 0.00011; TOPMed 0.00011; ESP Exome Variant Server 0.00031.
gnomAD v4.1: 142 of 1,613,992 alleles (0.0088%); highest among the groups gnomAD compares: Non-Finnish European, 0.011%; no homozygotes.

Submissions (4):

Ambry Genetics
Classification: Uncertain significance for Inborn genetic diseases. Last evaluated: 2025-05-14. Review status: criteria provided, single submitter. Criteria: Ambry Variant Classification Scheme 2023. Collection method: clinical testing. Allele origin: germline.

Blueprint Genetics
Classification: Uncertain significance. Last evaluated: 2024-05-28. Review status: criteria provided, single submitter. Criteria: ACMG Guidelines, 2015. Collection method: clinical testing. Allele origin: germline.

Labcorp Genetics (formerly Invitae), Labcorp
Classification: Uncertain significance for Combined immunodeficiency due to LRBA deficiency. Last evaluated: 2021-12-19. Review status: criteria provided, single submitter. Criteria: Invitae Variant Classification Sherloc (09022015). Collection method: clinical testing. Allele origin: germline.
Comment: This sequence change replaces asparagine, which is neutral and polar, with lysine, which is basic and polar, at codon 1649 of the LRBA protein (p.Asn1649Lys). This variant is present in population databases (rs200578734, gnomAD 0.01%). This variant has not been reported in the literature in individuals affected with LRBA-related conditions. ClinVar contains an entry for this variant (Variation ID: 640287). Algorithms developed to predict the effect of missense changes on protein structure and function (SIFT, PolyPhen-2, Align-GVGD) all suggest that this variant is likely to be tolerated. In summary, the available evidence is currently insufficient to determine the role of this variant in disease. Therefore, it has been classified as a Variant of Uncertain Significance.

Fulgent Genetics
Classification: Uncertain significance for Combined immunodeficiency due to LRBA deficiency. Last evaluated: 2021-10-14. Review status: criteria provided, single submitter. Criteria: ACMG Guidelines, 2015. Collection method: clinical testing. Allele origin: unknown.

NM_001364905.1(LRBA):c.4947T>A (p.Asn1649Lys)

Gene: LRBA (LPS responsive beige-like anchor protein; minus strand). Cytogenetic location: 4q31.3.
Variant type: single nucleotide variant.
Coding change: c.4947T>A on transcript NM_001364905.1 (MANE Select); coding-DNA position 4947, T replaced by A.
Protein change: p.Asn1649Lys; replaces asparagine 1649 with lysine.
Molecular consequence: missense variant.
Genome position (GRCh38, 1-based): chr4:150,828,404, A>T on the plus strand (T>A on the coding strand, the complement: LRBA is on the minus strand). VCF-style: chr4-150828404-A-T. GRCh37 (hg19) VCF-style: chr4-151749556-A-T.
Other names: c.4947T>A, p.Asn1649Lys (NM_001199282.3, NM_001367550.1, NM_006726.5); short protein forms N1649K.
Identifiers: ClinVar variation 640287 (VCV000640287.9), dbSNP rs200578734, ClinGen allele CA3102617.